The following is an entry in ClinVar:

ClinVar aggregate classification (germline): Uncertain significance (1 of 4 stars; one submission).

Conditions:
Sulfite oxidase deficiency due to molybdenum cofactor deficiency type C. Also called: Molybdenum cofactor deficiency, complementation group C; Molybdenum cofactor deficiency C. Identifiers: Orphanet 308400, Orphanet 833, MedGen C1854990, MONDO:0014212, OMIM 615501.

gnomAD v4.1: 3 of 1,611,066 alleles (0.00019%); highest among the groups gnomAD compares: African/African-American, 0.0013%; no homozygotes.

Submission:

Labcorp Genetics (formerly Invitae), Labcorp
Classification: Uncertain significance for Sulfite oxidase deficiency due to molybdenum cofactor deficiency type C. Last evaluated: 2021-12-02. Review status: criteria provided, single submitter. Criteria: Invitae Variant Classification Sherloc (09022015). Collection method: clinical testing. Allele origin: germline.
Comment: In summary, the available evidence is currently insufficient to determine the role of this variant in disease. Therefore, it has been classified as a Variant of Uncertain Significance. Algorithms developed to predict the effect of sequence changes on RNA splicing suggest that this variant may create or strengthen a splice site. Algorithms developed to predict the effect of missense changes on protein structure and function (SIFT, PolyPhen-2, Align-GVGD) all suggest that this variant is likely to be tolerated. This variant has not been reported in the literature in individuals affected with GPHN-related conditions. This variant is not present in population databases (gnomAD no frequency). This sequence change replaces alanine, which is neutral and non-polar, with valine, which is neutral and non-polar, at codon 256 of the GPHN protein (p.Ala256Val).

NM_020806.5(GPHN):c.767C>T (p.Ala256Val)

Gene: GPHN (gephyrin; plus strand). Cytogenetic location: 14q23.3.
Variant type: single nucleotide variant.
Coding change: c.767C>T on transcript NM_020806.5 (MANE Select); coding-DNA position 767, C replaced by T.
Protein change: p.Ala256Val; replaces alanine 256 with valine.
Molecular consequence: missense variant. On other transcripts: intron variant (7).
Genome position (GRCh38, 1-based): chr14:66,924,231, C>T. VCF-style: chr14-66924231-C-T. GRCh37 (hg19) VCF-style: chr14-67390948-C-T.
Other names: c.768+1293C>T (NM_001377514.1, NM_001377519.1); c.729+1293C>T (NM_001377515.1, NM_001377516.1, NM_001377518.1 and 2 more transcripts); short protein forms A256V.
Identifiers: ClinVar variation 1346685 (VCV001346685.8), dbSNP rs748108654, ClinGen allele CA390256677.